The following is an entry in ClinVar:

ClinVar aggregate classification (germline): Benign (1 of 4 stars; one submission).

Submission:

ISCA site 4
Classification: Benign. Last evaluated: 2011-08-12. Review status: criteria provided, single submitter. Criteria: Kaminsky et al. (Genet Med. 2011). Collection method: clinical testing. Allele origin: unknown. Affected: yes. Observed: 1 variant allele.
Comment: Copy number variation identified through the course of routine clinical cytogenomic testing in postnatal populations. Clinical assertions have been curated as described in Kaminsky et al. 2011.

GRCh38/hg38 14q11.2(chr14:21919243-22442515)x1

Genes: TRA (T cell receptor alpha locus; plus strand), TRAV12-3 (T cell receptor alpha variable 12-3; plus strand), TRAV14DV4 (T cell receptor alpha variable 14/delta variable 4; plus strand), TRAV16 (T cell receptor alpha variable 16; plus strand), TRAV17 (T cell receptor alpha variable 17; plus strand) and 35 more. Cytogenetic location: 14q11.2.
Variant type: copy number loss.
Change: copy number 1 (one copy instead of two) of chr14:21,919,243-22,442,515 (523.3 kb, GRCh38 coordinates, 1-based), cytogenetic band 14q11.2.
Identifiers: ClinVar variation 57497 (VCV000057497.1).